The following is an entry in ClinVar:

NM_138694.4(PKHD1):c.6383T>G (p.Leu2128Ter)

Gene: PKHD1 (PKHD1 ciliary IPT domain containing fibrocystin/polyductin; minus strand). Cytogenetic location: 6p12.2.
Variant type: single nucleotide variant.
Coding change: c.6383T>G on transcript NM_138694.4 (MANE Select); coding-DNA position 6383, T replaced by G.
Protein change: p.Leu2128Ter; replaces leucine 2128 with a stop codon.
Molecular consequence: nonsense.
Genome position (GRCh38, 1-based): chr6:51,911,906, A>C on the plus strand (T>G on the coding strand, the complement: PKHD1 is on the minus strand). VCF-style: chr6-51911906-A-C. GRCh37 (hg19) VCF-style: chr6-51776704-A-C.
Other names: c.6383T>G, p.Leu2128Ter (NM_170724.3); short protein forms L2128*.
Identifiers: ClinVar variation 957072 (VCV000957072.13), dbSNP rs1783006864, ClinGen allele CA364438707.

ClinVar aggregate classification (germline): Pathogenic/Likely pathogenic. Review status: criteria provided, multiple submitters, no conflicts (2 of 4 stars). 4 submissions from 4 submitters: Pathogenic (1); Likely pathogenic (2). 1 of the submissions does not count toward it. Last evaluated 2025-08-18.

Conditions:
PKHD1-related disorder. Also called: PKHD1-related condition.
Polycystic kidney disease 4 (PKD4). Also called: PKD3; Autosomal Recessive Polycystic Kidney Disease – PKHD1; POLYCYSTIC KIDNEY AND HEPATIC DISEASE 1; POLYCYSTIC KIDNEY DISEASE, INFANTILE, TYPE I; POLYCYSTIC KIDNEY DISEASE 4 WITH OR WITHOUT POLYCYSTIC LIVER DISEASE. Identifiers: MedGen C4540575, MONDO:0033004, OMIM 263200.
Autosomal recessive polycystic kidney disease (ARPKD). Also called: AR polycystic kidney disease. Identifiers: Orphanet 731, Orphanet 8378, MedGen C0085548, MeSH D017044, MONDO:0009889.

Submissions (4):

Natera, Inc.
Classification: Likely pathogenic for Autosomal recessive polycystic kidney disease. Last evaluated: 2025-08-18. Review status: criteria provided, single submitter. Criteria: Natera Variant Classification Schema (03/2026). Collection method: clinical testing. Allele origin: germline.
Comment: The c.6383T>G variant in PKHD1 is a nonsense variant predicted to introduce a stop codon at amino acid 2128. This variant is expected to result in nonsense mediated decay, truncation, or a dysfunctional protein product. This variant is rare in the general population with a frequency below the threshold expected for the associated phenotype(s). Given the available evidence, this variant is classified as Likely Pathogenic.

Labcorp Genetics (formerly Invitae), Labcorp
Classification: Pathogenic for Autosomal recessive polycystic kidney disease. Last evaluated: 2023-03-22. Review status: criteria provided, single submitter. Criteria: Invitae Variant Classification Sherloc (09022015). Collection method: clinical testing. Allele origin: germline.
Comment: For these reasons, this variant has been classified as Pathogenic. ClinVar contains an entry for this variant (Variation ID: 957072). This premature translational stop signal has been observed in individual(s) with polycystic kidney disease (PMID: 12846734). This variant is not present in population databases (gnomAD no frequency). This sequence change creates a premature translational stop signal (p.Leu2128*) in the PKHD1 gene. It is expected to result in an absent or disrupted protein product. Loss-of-function variants in PKHD1 are known to be pathogenic (PMID: 19940839).

Fulgent Genetics
Classification: Likely pathogenic for Polycystic kidney disease 4. Last evaluated: 2022-03-08. Review status: criteria provided, single submitter. Criteria: ACMG Guidelines, 2015. Collection method: clinical testing. Allele origin: unknown.

PreventionGenetics, part of Exact Sciences
Classification: Likely pathogenic for PKHD1-related condition. Last evaluated: 2024-07-09. Review status: no assertion criteria provided. Collection method: clinical testing. Allele origin: germline. Not counted in ClinVar's aggregate classification.
Comment: The PKHD1 c.6383T>G variant is predicted to result in premature protein termination (p.Leu2128*). To our knowledge, this variant has not been reported in the literature. This variant has not been reported in a large population database, indicating this variant is rare. Nonsense variants in PKHD1 are expected to be pathogenic. This variant is interpreted as likely pathogenic.

Literature cited by the submitters: PubMed 12846734 (cited by Labcorp Genetics (formerly Invitae), Labcorp); PubMed 19940839 (cited by Labcorp Genetics (formerly Invitae), Labcorp).